The following is an entry in ClinVar:

NM_001378418.1(TCF20):c.5285C>T (p.Thr1762Met)

Gene: TCF20 (transcription factor 20; minus strand). Cytogenetic location: 22q13.2.
Variant type: single nucleotide variant.
Coding change: c.5285C>T on transcript NM_001378418.1 (MANE Select); coding-DNA position 5285, C replaced by T.
Protein change: p.Thr1762Met; replaces threonine 1762 with methionine.
Molecular consequence: missense variant.
Genome position (GRCh38, 1-based): chr22:42,210,021, G>A on the plus strand (C>T on the coding strand, the complement: TCF20 is on the minus strand). VCF-style: chr22-42210021-G-A. GRCh37 (hg19) VCF-style: chr22-42606027-G-A.
Other names: c.5285C>T, p.Thr1762Met (NM_005650.4, NM_181492.3); short protein forms T1762M.
Identifiers: ClinVar variation 2779110 (VCV002779110.3), dbSNP rs770853722, ClinGen allele CA10266508.
Genomic context (GRCh38, chr22:42,210,021, plus strand): 5'-GCGGCCAGGCTTCTCTGCTCCTTCTGCTGCTGCTGCTGCTCTTCCTCCTCCTCAGTGTCC[G>A]TCTTGGAGCCATTAGAAGCACTTTTGTGCCGTACCTTAACTTTGCTCTGCATTTCTGTGG-3'
Protein context (NP_001365347.1, residues 1752-1772): RHKSASNGSK[Thr1762Met]DTEEEEEQQQ

ClinVar aggregate classification (germline): Uncertain significance (1 of 4 stars; one submission).

Allele frequency attached by ClinVar (database versions not stated): gnomAD exomes below 0.00001; ExAC 0.00001.
gnomAD v4.1: 4 of 1,612,760 alleles (0.00025%); highest among the groups gnomAD compares: East Asian, 0.0022%; no homozygotes.

Submission:

Labcorp Genetics (formerly Invitae), Labcorp
Classification: Uncertain significance. Last evaluated: 2023-08-24. Review status: criteria provided, single submitter. Criteria: Invitae Variant Classification Sherloc (09022015). Collection method: clinical testing. Allele origin: germline.
Comment: This variant has not been reported in the literature in individuals affected with TCF20-related conditions. This variant is present in population databases (rs770853722, gnomAD 0.003%). This sequence change replaces threonine, which is neutral and polar, with methionine, which is neutral and non-polar, at codon 1762 of the TCF20 protein (p.Thr1762Met). In summary, the available evidence is currently insufficient to determine the role of this variant in disease. Therefore, it has been classified as a Variant of Uncertain Significance. An algorithm developed to predict the effect of missense changes on protein structure and function (PolyPhen-2) suggests that this variant is likely to be disruptive.